The following is an entry in ClinVar:

ClinVar aggregate classification (germline): Likely benign (1 of 4 stars; one submission).

Conditions:
Polyps, multiple and recurrent inflammatory fibroid, gastrointestinal. Identifiers: MedGen C5193005, MONDO:0008285, OMIM 175510.

Submission:

Myriad Genetics, Inc.
Classification: Likely benign for Polyps, multiple and recurrent inflammatory fibroid, gastrointestinal. Last evaluated: 2026-06-15. Review status: criteria provided, single submitter. Criteria: Myriad Autosomal Dominant, Autosomal Recessive and X-Linked Classification Criteria (2023). Collection method: clinical testing. Allele origin: unknown.
Comment: This variant is considered likely benign. This variant is intronic and is not expected to impact mRNA splicing.

NM_006206.6(PDGFRA):c.1365-17G>T

Gene: PDGFRA (platelet derived growth factor receptor alpha; plus strand). Cytogenetic location: 4q12.
Variant type: single nucleotide variant.
Coding change: c.1365-17G>T on transcript NM_006206.6 (MANE Select); 17 bases into the intron before coding-DNA position 1365, G replaced by T.
Molecular consequence: intron variant.
Genome position (GRCh38, 1-based): chr4:54,273,520, G>T. VCF-style: chr4-54273520-G-T. GRCh37 (hg19) VCF-style: chr4-55139687-G-T.
Other names: c.1440-17G>T (NM_001347828.2); c.1365-17G>T (NM_001347827.2, NM_001347829.2); c.1404-17G>T (NM_001347830.2).
Identifiers: ClinVar variation 4876009 (VCV004876009.1).